The following is an entry in ClinVar:

ClinVar aggregate classification (germline): Uncertain significance. Review status: criteria provided, multiple submitters, no conflicts (2 of 4 stars). 2 submissions from 2 submitters: Uncertain significance (2). Last evaluated 2025-11-24.

Conditions:
Inborn genetic diseases. Identifiers: MedGen C0950123, MeSH D030342.

Allele frequency attached by ClinVar (database versions not stated): gnomAD 0.00004 and 0.00003; TOPMed 0.00009; gnomAD exomes below 0.00001.

Submissions (2):

Ambry Genetics
Classification: Uncertain significance for Inborn genetic diseases. Last evaluated: 2025-11-24. Review status: criteria provided, single submitter. Criteria: Ambry Variant Classification Scheme 2023. Collection method: clinical testing. Allele origin: germline.

GeneDx
Classification: Uncertain significance. Last evaluated: 2022-01-18. Review status: criteria provided, single submitter. Criteria: GeneDx Variant Classification Process June 2021. Collection method: clinical testing. Allele origin: germline. Affected: yes.
Comment: Not observed at significant frequency in large population cohorts (gnomAD); In silico analysis supports that this missense variant has a deleterious effect on protein structure/function; Has not been previously published as pathogenic or benign to our knowledge

NM_016011.5(MECR):c.547C>T (p.Pro183Ser)

Gene: MECR (mitochondrial trans-2-enoyl-CoA reductase; minus strand). Cytogenetic location: 1p35.3.
Variant type: single nucleotide variant.
Coding change: c.547C>T on transcript NM_016011.5 (MANE Select); coding-DNA position 547, C replaced by T.
Protein change: p.Pro183Ser; replaces proline 183 with serine.
Molecular consequence: missense variant. On other transcripts: non-coding transcript variant (4).
Genome position (GRCh38, 1-based): chr1:29,206,765, G>A on the plus strand (C>T on the coding strand, the complement: MECR is on the minus strand). VCF-style: chr1-29206765-G-A. GRCh37 (hg19) VCF-style: chr1-29533277-G-A.
Other names: c.319C>T, p.Pro107Ser (NM_001349711.2, NM_001349712.2, NM_001349713.2 and 2 more transcripts); c.652C>T, p.Pro218Ser (NM_001349715.2); c.631C>T, p.Pro211Ser (NM_001349716.2); c.397C>T, p.Pro133Ser (NM_001349717.2); short protein forms P107S, P133S, P183S, P211S, P218S.
Identifiers: ClinVar variation 1697190 (VCV001697190.5), dbSNP rs1676689011, ClinGen allele CA339543816.